The following is an entry in ClinVar:

NM_194454.3(KRIT1):c.1192_1204del (p.Glu398fs)

Gene: KRIT1 (KRIT1 ankyrin repeat containing; minus strand). Cytogenetic location: 7q21.2.
Variant type: Deletion.
Coding change: c.1192_1204del on transcript NM_194454.3 (MANE Select); coding-DNA positions 1192 to 1204, 13 bases deleted (GAAAACAAACAAA).
Protein change: p.Glu398fs; shifts the reading frame from glutamic acid 398.
Molecular consequence: frameshift variant.
Genome position (GRCh38, 1-based): chr7:92,225,770-92,225,782, TTTGTTTGTTTTC deleted on the plus strand (GAAAACAAACAAA on the coding strand, the reverse complement: KRIT1 is on the minus strand); deleting any 13 consecutive bases within chr7:92,225,770-92,225,784 gives the same sequence; the c. name uses the placement nearest the transcript's 3' end. VCF-style (leftmost placement, unchanged base first): chr7-92225769-TTTTGTTTGTTTTC-T. GRCh37 (hg19) VCF-style: chr7-91855083-TTTTGTTTGTTTTC-T.
Other names: c.1192_1204delGAAAACAAACAAA (NM_194456.1); c.1048_1060del, p.Glu350fs (NM_001013406.2, NM_001350669.1, NM_001350670.1); c.478_490del, p.Glu160fs (NM_001350671.1); c.1192_1204del, p.Glu398fs (NM_001350672.1, NM_001350673.1, NM_001350674.1 and 26 more transcripts); short protein forms E398fs, E160fs, E350fs.
Identifiers: ClinVar variation 280331 (VCV000280331.2), dbSNP rs886041557, ClinGen allele CA10603044.

ClinVar aggregate classification (germline): Pathogenic (1 of 4 stars; one submission).

Submission:

GeneDx
Classification: Pathogenic. Last evaluated: 2018-04-13. Review status: criteria provided, single submitter. Criteria: GeneDx Variant Classification (06012015). Collection method: clinical testing. Allele origin: germline. Affected: yes.
Comment: The c.1192_1204del13 pathogenic variant in the KRIT1 gene causes a frameshift starting with codon Glutamic acid 398, changes this amino acid to a Theonine residue and creates a premature Stop codon at position 10 of the new reading frame, denoted p.Glu398ThrfsX10. This pathogenic variant is predicted to cause loss of normal protein function either through protein truncation or nonsense-mediated mRNA decay. The variant was not observed in approximately 6,500 individuals of European and African American ancestry in the NHLBI Exome Sequencing Project, indicating it is not a common benign variant in these populations.